The following is an entry in ClinVar:

ClinVar aggregate classification (germline): Uncertain significance. Review status: criteria provided, multiple submitters, no conflicts (2 of 4 stars). 2 submissions from 2 submitters: Uncertain significance (2). Last evaluated 2024-02-21.

Conditions:
Colorectal cancer, susceptibility to, 1. Also called: COLORECTAL ADENOMA AND CANCER, SUSCEPTIBILITY TO; COLORECTAL CANCER, SUSCEPTIBILITY TO, ON CHROMOSOME 9. Identifiers: MedGen C1837315, MONDO:0012132, OMIM 608812.

Allele frequency attached by ClinVar (database versions not stated): TOPMed below 0.00001; gnomAD exomes 0.00001.

Submissions (2):

Department of Pathology and Laboratory Medicine, Sinai Health System
Classification: Uncertain significance for Colorectal cancer, susceptibility to, 1. Last evaluated: 2024-02-21. Review status: criteria provided, single submitter. Criteria: ACMG Guidelines, 2015. Collection method: clinical testing. Allele origin: germline. Affected: yes.

Ambry Genetics
Classification: Uncertain significance. Last evaluated: 2024-01-18. Review status: criteria provided, single submitter. Criteria: Ambry Variant Classification Scheme 2023. Collection method: clinical testing. Allele origin: germline.
Comment: The c.610_611delAA variant, located in coding exon 3 of the GALNT12 gene, results from a deletion of two nucleotides at nucleotide positions 610 to 611, causing a translational frameshift with a predicted alternate stop codon (p.K204Efs*28). This alteration is expected to result in loss of function by premature protein truncation or nonsense-mediated mRNA decay. The evidence for this gene-disease relationship is limited; therefore, the clinical significance of this alteration is unclear.

NM_024642.5(GALNT12):c.610_611del (p.Lys204fs)

Gene: GALNT12 (polypeptide N-acetylgalactosaminyltransferase 12; plus strand). Cytogenetic location: 9q22.33.
Variant type: Deletion.
Coding change: c.610_611del on transcript NM_024642.5 (MANE Select); coding-DNA positions 610 to 611, 2 bases deleted (AA; older notation c.610_611delAA).
Protein change: p.Lys204fs; shifts the reading frame from lysine 204.
Molecular consequence: frameshift variant.
Genome position (GRCh38, 1-based): chr9:98,826,820-98,826,821, AA deleted. VCF-style (leftmost placement, unchanged base first): chr9-98826819-CAA-C. GRCh37 (hg19) VCF-style: chr9-101589101-CAA-C.
Other names: short protein forms K204fs.
Identifiers: ClinVar variation 1751629 (VCV001751629.3), dbSNP rs1297555373, ClinGen allele CA589583085.
Genomic context (GRCh38, chr9:98,826,819, plus strand): 5'-GAAGGAGCGCTTGGCCAATGAGCTTTCGGGACTGCCCAAGGTGCGCCTGATCCGCGCCAA[CAA>C]GAGAGAGGGCCTGGTGCGAGCCCGGCTGCTGGGGGCGTCTGCGGCGAGGGGCGATGTTCT-3'